The following is an entry in ClinVar:

ClinVar aggregate classification (germline): Likely pathogenic (1 of 4 stars; one submission).

Submission:

CeGaT Center for Human Genetics Tuebingen
Classification: Likely pathogenic. Last evaluated: 2026-04-01. Review status: criteria provided, single submitter. Criteria: CeGaT Center For Human Genetics Tuebingen Variant Classification Criteria Version 2. Collection method: clinical testing. Allele origin: germline. Affected: yes. Observed: 4 variant alleles.
Comment: COL6A3: PM1:Strong, PM2, PM3

NM_004369.4(COL6A3):c.6472G>C (p.Gly2158Arg)

Gene: COL6A3 (collagen type VI alpha 3 chain; minus strand). Cytogenetic location: 2q37.3.
Variant type: single nucleotide variant.
Coding change: c.6472G>C on transcript NM_004369.4 (MANE Select); coding-DNA position 6472, G replaced by C.
Protein change: p.Gly2158Arg; replaces glycine 2158 with arginine.
Molecular consequence: missense variant.
Genome position (GRCh38, 1-based): chr2:237,357,882, C>G on the plus strand (G>C on the coding strand, the complement: COL6A3 is on the minus strand). VCF-style: chr2-237357882-C-G. GRCh37 (hg19) VCF-style: chr2-238266525-C-G.
Other names: c.4651G>C, p.Gly1551Arg (NM_057166.5); c.5854G>C, p.Gly1952Arg (NM_057167.4); short protein forms G1551R, G1952R, G2158R.
Identifiers: ClinVar variation 3389766 (VCV003389766.14).
Genomic context (GRCh38, chr2:237,357,882, plus strand): 5'-GGCCGAGGTCACCGGTTTCTCCTTTGGGTCCTCTCTCCTGGCTGTCTTGTCCTGGGTTAC[C>G]CTGAAAGCAACATGGGAAAGGGAAATGAGCCACATATGGAAGGAAAGCAGCTGCCACTGG-3'
Protein context (NP_004360.2, residues 2148-2168): RGDVGIRGDP[Gly2158Arg]NPGQDSQERG